The following is an entry in ClinVar:

NM_004523.4(KIF11):c.2268-6C>G

Gene: KIF11 (kinesin family member 11; plus strand). Cytogenetic location: 10q23.33.
Variant type: single nucleotide variant.
Coding change: c.2268-6C>G on transcript NM_004523.4 (MANE Select); 6 bases into the intron before coding-DNA position 2268, C replaced by G.
Molecular consequence: intron variant.
Genome position (GRCh38, 1-based): chr10:92,645,357, C>G. VCF-style: chr10-92645357-C-G. GRCh37 (hg19) VCF-style: chr10-94405114-C-G.
Identifiers: ClinVar variation 1390112 (VCV001390112.7), dbSNP rs748522620, ClinGen allele CA5604376.

ClinVar aggregate classification (germline): Uncertain significance. Review status: criteria provided, multiple submitters, no conflicts (2 of 4 stars). 2 submissions from 2 submitters: Uncertain significance (2). Last evaluated 2024-05-24.

Allele frequency attached by ClinVar (database versions not stated): gnomAD exomes below 0.00001 and 0.00001; ExAC 0.00001; gnomAD 0.00001; TOPMed 0.00001.
gnomAD v4.1: 6 of 1,592,022 alleles (0.00038%); highest among the groups gnomAD compares: South Asian, 0.0011%; no homozygotes.

Submissions (2):

Blueprint Genetics
Classification: Uncertain significance. Last evaluated: 2024-05-24. Review status: criteria provided, single submitter. Criteria: ACMG Guidelines, 2015. Collection method: clinical testing. Allele origin: germline.

Labcorp Genetics (formerly Invitae), Labcorp
Classification: Uncertain significance. Last evaluated: 2021-10-29. Review status: criteria provided, single submitter. Criteria: Invitae Variant Classification Sherloc (09022015). Collection method: clinical testing. Allele origin: germline.
Comment: In summary, the available evidence is currently insufficient to determine the role of this variant in disease. Therefore, it has been classified as a Variant of Uncertain Significance. Algorithms developed to predict the effect of sequence changes on RNA splicing suggest that this variant may disrupt the consensus splice site. This variant has not been reported in the literature in individuals affected with KIF11-related conditions. This variant is present in population databases (rs748522620, gnomAD 0.003%). This sequence change falls in intron 17 of the KIF11 gene. It does not directly change the encoded amino acid sequence of the KIF11 protein.